The following is an entry in ClinVar:

ClinVar aggregate classification (germline): Uncertain significance. Review status: criteria provided, multiple submitters, no conflicts (2 of 4 stars). 2 submissions from 2 submitters: Uncertain significance (2). Last evaluated 2026-04-19.

Conditions:
ABHD5-related disorder. Also called: ABHD5-related condition.

Allele frequency attached by ClinVar (database versions not stated): gnomAD exomes 0.00001; ExAC 0.00002; gnomAD 0.00012; TOPMed 0.00015.
gnomAD v4.1: 41 of 1,614,204 alleles (0.0025%); highest among the groups gnomAD compares: African/African-American, 0.049%; no homozygotes.

Submissions (2):

PreventionGenetics, part of Exact Sciences
Classification: Uncertain significance for ABHD5-related condition. Last evaluated: 2026-04-19. Review status: criteria provided, single submitter. Criteria: ACMG Guidelines, 2015. Collection method: clinical testing. Allele origin: germline.
Comment: The ABHD5 c.852G>A variant is predicted to result in the amino acid substitution p.Met284Ile. To our knowledge, this variant has not been reported in the literature. This variant is reported in 0.052% of alleles in individuals of African descent in gnomAD. Although we suspect that this variant may be benign, at this time, the clinical significance of this variant is uncertain due to the absence of conclusive functional and genetic evidence.

Labcorp Genetics (formerly Invitae), Labcorp
Classification: Uncertain significance. Last evaluated: 2022-02-07. Review status: criteria provided, single submitter. Criteria: Invitae Variant Classification Sherloc (09022015). Collection method: clinical testing. Allele origin: germline.
Comment: This sequence change replaces methionine, which is neutral and non-polar, with isoleucine, which is neutral and non-polar, at codon 284 of the ABHD5 protein (p.Met284Ile). This variant is present in population databases (rs542974582, gnomAD 0.05%). This variant has not been reported in the literature in individuals affected with ABHD5-related conditions. Algorithms developed to predict the effect of missense changes on protein structure and function (SIFT, PolyPhen-2, Align-GVGD) all suggest that this variant is likely to be tolerated. In summary, the available evidence is currently insufficient to determine the role of this variant in disease. Therefore, it has been classified as a Variant of Uncertain Significance.

NM_016006.6(ABHD5):c.852G>A (p.Met284Ile)

Gene: ABHD5 (abhydrolase domain containing 5, lysophosphatidic acid acyltransferase; plus strand). Cytogenetic location: 3p21.33.
Variant type: single nucleotide variant.
Coding change: c.852G>A on transcript NM_016006.6 (MANE Select); coding-DNA position 852, G replaced by A.
Protein change: p.Met284Ile; replaces methionine 284 with isoleucine.
Molecular consequence: missense variant. On other transcripts: non-coding transcript variant (1), intron variant (1).
Genome position (GRCh38, 1-based): chr3:43,717,749, G>A. VCF-style: chr3-43717749-G-A. GRCh37 (hg19) VCF-style: chr3-43759241-G-A.
Other names: c.852G>A, p.Met284Ile (NM_001355186.2); c.729G>A, p.Met243Ile (NM_001365649.1); c.774-694G>A (NM_001365650.1); c.852G>A (NM_016006.4); short protein forms M243I, M284I.
Identifiers: ClinVar variation 1899351 (VCV001899351.3), dbSNP rs542974582, ClinGen allele CA2341485.